The following is an entry in ClinVar:

ClinVar aggregate classification (germline): Likely pathogenic. Review status: criteria provided, multiple submitters, no conflicts (2 of 4 stars). 2 submissions from 2 submitters: Likely pathogenic (2). Last evaluated 2024-10-24.

Allele frequency attached by ClinVar (database versions not stated): gnomAD exomes below 0.00001.
gnomAD v4.1: 1 of 1,534,730 alleles (0.000065%); highest among the groups gnomAD compares: East Asian, 0.0024%; no homozygotes.

Submissions (2):

Labcorp Genetics (formerly Invitae), Labcorp
Classification: Likely pathogenic. Last evaluated: 2024-10-24. Review status: criteria provided, single submitter. Criteria: Invitae Variant Classification Sherloc (09022015). Collection method: clinical testing. Allele origin: germline.
Comment: This sequence change affects a donor splice site in intron 46 of the PIEZO2 gene. It is expected to disrupt RNA splicing. Variants that disrupt the donor or acceptor splice site typically lead to a loss of protein function (PMID: 16199547), and loss-of-function variants in PIEZO2 are known to be pathogenic (PMID: 27653382, 27843126). This variant is not present in population databases (gnomAD no frequency). This variant has not been reported in the literature in individuals affected with PIEZO2-related conditions. ClinVar contains an entry for this variant (Variation ID: 1324900). Algorithms developed to predict the effect of sequence changes on RNA splicing suggest that this variant may disrupt the consensus splice site. In summary, the currently available evidence indicates that the variant is pathogenic, but additional data are needed to prove that conclusively. Therefore, this variant has been classified as Likely Pathogenic.

Revvity Omics, Revvity
Classification: Likely pathogenic. Last evaluated: 2021-06-22. Review status: criteria provided, single submitter. Criteria: ACMG Guidelines, 2015. Collection method: clinical testing. Allele origin: germline.

Literature cited by the submitters: PubMed 16199547 (cited by Labcorp Genetics (formerly Invitae), Labcorp); PubMed 27653382 (cited by Labcorp Genetics (formerly Invitae), Labcorp); PubMed 27843126 (cited by Labcorp Genetics (formerly Invitae), Labcorp).

NM_001378183.1(PIEZO2):c.7686+1G>C

Gene: PIEZO2 (piezo type mechanosensitive ion channel component 2; minus strand). Cytogenetic location: 18p11.22.
Variant type: single nucleotide variant.
Coding change: c.7686+1G>C on transcript NM_001378183.1 (MANE Select); the canonical splice donor site of the intron after coding-DNA position 7686, G replaced by C.
Molecular consequence: splice donor variant.
Genome position (GRCh38, 1-based): chr18:10,682,103, C>G on the plus strand (G>C on the coding strand, the complement: PIEZO2 is on the minus strand). VCF-style: chr18-10682103-C-G. GRCh37 (hg19) VCF-style: chr18-10682100-C-G.
Other names: c.7347+1G>C (NM_022068.4); c.7422+1G>C (NM_001410871.1).
Identifiers: ClinVar variation 1324900 (VCV001324900.7), dbSNP rs1454800167, ClinGen allele CA401914651.